The following is an entry in ClinVar:

NM_013436.5(NCKAP1):c.883_886del (p.Leu295fs)

Gene: NCKAP1 (NCK associated protein 1; minus strand). Cytogenetic location: 2q32.1.
Variant type: Microsatellite.
Coding change: c.883_886del on transcript NM_013436.5 (MANE Select); coding-DNA positions 883 to 886, 4 bases deleted (CTCT; older notation c.883_886delCTCT).
Protein change: p.Leu295fs; shifts the reading frame from leucine 295.
Molecular consequence: frameshift variant.
Genome position (GRCh38, 1-based): chr2:182,989,091-182,989,094, AGAG deleted on the plus strand (CTCT on the coding strand, the reverse complement: NCKAP1 is on the minus strand); deleting any 4 consecutive bases within chr2:182,989,091-182,989,100 gives the same sequence; the c. name uses the placement nearest the transcript's 3' end. VCF-style (leftmost placement, unchanged base first): chr2-182989090-AAGAG-A. GRCh37 (hg19) VCF-style: chr2-183853818-AAGAG-A.
Other names: c.901_904del, p.Leu301fs (NM_205842.3); short protein forms L301fs, L295fs.
Identifiers: ClinVar variation 3917872 (VCV003917872.1).

ClinVar aggregate classification (germline): Pathogenic (1 of 4 stars; one submission).

Conditions:
Inborn genetic diseases. Identifiers: MedGen C0950123, MeSH D030342.

Submission:

Ambry Genetics
Classification: Pathogenic for Inborn genetic diseases. Last evaluated: 2025-03-18. Review status: criteria provided, single submitter. Criteria: Ambry Variant Classification Scheme 2023. Collection method: clinical testing. Allele origin: germline.
Comment: The c.901_904delCTCT (p.L301Ffs*17) alteration, located in exon 10 (coding exon 10) of the NCKAP1 gene, consists of a deletion of 4 nucleotides from position 901 to 904, causing a translational frameshift with a predicted alternate stop codon after 17 amino acids. This alteration is expected to result in loss of function by premature protein truncation or nonsense-mediated mRNA decay. This variant was not reported in population-based cohorts in the Genome Aggregation Database (gnomAD). Based on the available evidence, this alteration is classified as pathogenic.